The following is an entry in ClinVar:

NM_018671.5(UNC45A):c.1879-6C>T

Gene: UNC45A (unc-45 myosin chaperone A; plus strand). Cytogenetic location: 15q26.1.
Variant type: single nucleotide variant.
Coding change: c.1879-6C>T on transcript NM_018671.5 (MANE Select); 6 bases into the intron before coding-DNA position 1879, C replaced by T.
Molecular consequence: intron variant.
Genome position (GRCh38, 1-based): chr15:90,949,310, C>T. VCF-style: chr15-90949310-C-T. GRCh37 (hg19) VCF-style: chr15-91492540-C-T.
Other names: c.1834-6C>T (NM_001039675.2, NM_001323621.2); c.1879-6C>T (NM_001323619.1); c.1444-6C>T (NM_001323620.2).
Identifiers: ClinVar variation 2074933 (VCV002074933.5), dbSNP rs752511822, ClinGen allele CA7743108.

ClinVar aggregate classification (germline): Likely benign. Review status: criteria provided, multiple submitters, no conflicts (2 of 4 stars). 2 submissions from 2 submitters: Likely benign (2). Last evaluated 2026-04-08.

Conditions:
UNC45A-related disorder. Also called: UNC45A-related condition.

Allele frequency attached by ClinVar (database versions not stated): ExAC 0.00001; gnomAD 0.00002; gnomAD exomes 0.00002; TOPMed 0.00004.
gnomAD v4.1: 25 of 1,610,568 alleles (0.0016%); highest among the groups gnomAD compares: Admixed American, 0.038%; no homozygotes.

Submissions (2):

PreventionGenetics, part of Exact Sciences
Classification: Likely benign for UNC45A-related condition. Last evaluated: 2026-04-08. Review status: criteria provided, single submitter. Criteria: ACMG Guidelines, 2015. Collection method: clinical testing. Allele origin: germline.
Comment: This variant is classified as likely benign based on ACMG/AMP sequence variant interpretation guidelines (Richards et al. 2015 PMID: 25741868, with internal and published modifications).

Labcorp Genetics (formerly Invitae), Labcorp
Classification: Likely benign. Last evaluated: 2026-01-19. Review status: criteria provided, single submitter. Criteria: Invitae Variant Classification Sherloc (09022015). Collection method: clinical testing. Allele origin: germline.